The following is an entry in ClinVar:

ClinVar aggregate classification (germline): Pathogenic (1 of 4 stars; one submission).

Conditions:
Metachromatic leukodystrophy (MLD). Also called: SULFATIDE LIPIDOSIS; Cerebral sclerosis diffuse metachromatic form; Arylsulfatase A Deficiency; CEREBROSIDE SULFATASE DEFICIENCY; METACHROMATIC LEUKOENCEPHALOPATHY; ARSA DEFICIENCY. Identifiers: Orphanet 512, MedGen C0023522, MONDO:0018868, OMIM 250100.

Submission:

Labcorp Genetics (formerly Invitae), Labcorp
Classification: Pathogenic for Metachromatic leukodystrophy. Last evaluated: 2024-01-22. Review status: criteria provided, single submitter. Criteria: Invitae Variant Classification Sherloc (09022015). Collection method: clinical testing. Allele origin: germline.
Comment: This variant, c.110_111ins18, is a complex sequence change that results in the deletion of 1 and insertion of 7 amino acid(s) in the ARSA protein (p.Asp37delins7). This variant is present in population databases (no rsID available, gnomAD 0.008%). This variant has been observed in individual(s) with metachromatic leukodystrophy (Invitae). ClinVar contains an entry for this variant (Variation ID: 2060302). This variant disrupts a region of the ARSA protein in which other variant(s) (p.Asp37His) have been determined to be pathogenic (Invitae). This suggests that this is a clinically significant region of the protein, and that variants that disrupt it are likely to be disease-causing. For these reasons, this variant has been classified as Pathogenic.

NM_000487.6(ARSA):c.110_111insACTGGGCTGCTATGGGCA (p.Asp37delinsGluLeuGlyCysTyrGlyHis)

Gene: ARSA (arylsulfatase A; minus strand). Cytogenetic location: 22q13.33.
Variant type: Insertion.
Coding change: c.110_111insACTGGGCTGCTATGGGCA on transcript NM_000487.6 (MANE Select); coding-DNA positions 110 to 111, ACTGGGCTGCTATGGGCA inserted.
Protein change: p.Asp37delinsGluLeuGlyCysTyrGlyHis.
Molecular consequence: inframe indel. On other transcripts: intron variant (2).
Genome position: GRCh38 VCF-style: chr22-50627669-G-GTGCCCATAGCAGCCCAGT. GRCh37 (hg19) VCF-style: chr22-51066097-G-GTGCCCATAGCAGCCCAGT.
Other names: c.110_111insACTGGGCTGCTATGGGCA, p.Asp37delinsGluLeuGlyCysTyrGlyHis (NM_001085425.3, NM_001085426.3, NM_001085427.3); c.-34-264_-34-263insAACTGGGCTGCTATGGGC (NM_001362782.2, NM_001085428.3).
Identifiers: ClinVar variation 2060302 (VCV002060302.4), dbSNP rs1569082469, ClinGen allele CA640051643.